The following is an entry in ClinVar:

ClinVar aggregate classification (germline): Uncertain significance (1 of 4 stars; one submission).

Allele frequency attached by ClinVar (database versions not stated): gnomAD exomes 0.00001; TOPMed 0.00001.
gnomAD v4.1: 3 of 1,613,324 alleles (0.00019%); highest among the groups gnomAD compares: Admixed American, 0.005%; no homozygotes.

Submission:

Labcorp Genetics (formerly Invitae), Labcorp
Classification: Uncertain significance. Last evaluated: 2021-10-15. Review status: criteria provided, single submitter. Criteria: Invitae Variant Classification Sherloc (09022015). Collection method: clinical testing. Allele origin: germline.
Comment: In summary, the available evidence is currently insufficient to determine the role of this variant in disease. Therefore, it has been classified as a Variant of Uncertain Significance. This sequence change replaces glutamine with arginine at codon 256 of the LAMC3 protein (p.Gln256Arg). The glutamine residue is moderately conserved and there is a small physicochemical difference between glutamine and arginine. This variant is not present in population databases (ExAC no frequency). This variant has not been reported in the literature in individuals affected with LAMC3-related conditions. Algorithms developed to predict the effect of missense changes on protein structure and function output the following: SIFT: "Tolerated"; PolyPhen-2: "Benign"; Align-GVGD: "Class C0". The arginine amino acid residue is found in multiple mammalian species, which suggests that this missense change does not adversely affect protein function.

NM_006059.4(LAMC3):c.767A>G (p.Gln256Arg)

Gene: LAMC3 (laminin subunit gamma 3; plus strand). Cytogenetic location: 9q34.12.
Variant type: single nucleotide variant.
Coding change: c.767A>G on transcript NM_006059.4 (MANE Select); coding-DNA position 767, A replaced by G.
Protein change: p.Gln256Arg; replaces glutamine 256 with arginine.
Molecular consequence: missense variant.
Genome position (GRCh38, 1-based): chr9:131,032,133, A>G. VCF-style: chr9-131032133-A-G. GRCh37 (hg19) VCF-style: chr9-133907520-A-G.
Other names: short protein forms Q256R.
Identifiers: ClinVar variation 1399793 (VCV001399793.6), dbSNP rs1298885595, ClinGen allele CA375254492.
Genomic context (GRCh38, chr9:131,032,133, plus strand): 5'-TCTCTCTAGACCGGCTCAACACGTTTGGGGACGACATCTTCAAGGACCCCAAGGTGCTCC[A>G]GTCCTACTATTATGCCGTGTCCGACTTCTCTGTGGGCGGCAGGTAGGAGGGAGGAGGGAG-3'
Protein context (NP_006050.3, residues 246-266): DDIFKDPKVL[Gln256Arg]SYYYAVSDFS